The following is an entry in ClinVar:

ClinVar aggregate classification (germline): Uncertain significance (0 of 4 stars; one submission).

Conditions:
SDCCAG8-related disorder. Also called: SDCCAG8-Related Disorders; SDCCAG8-related condition.

Submission:

PreventionGenetics, part of Exact Sciences
Classification: Uncertain significance for SDCCAG8-related condition. Last evaluated: 2024-08-13. Review status: no assertion criteria provided. Collection method: clinical testing. Allele origin: germline.
Comment: The SDCCAG8 c.707G>T variant is predicted to result in the amino acid substitution p.Gly236Val. To our knowledge, this variant has not been reported in the literature or in a large population database, indicating this variant is rare. At this time, the clinical significance of this variant is uncertain due to the absence of conclusive functional and genetic evidence.

NM_006642.5(SDCCAG8):c.675+211G>T

Gene: SDCCAG8 (SHH signaling and ciliogenesis regulator SDCCAG8; plus strand). Cytogenetic location: 1q43.
Variant type: single nucleotide variant.
Coding change: c.675+211G>T on transcript NM_006642.5 (MANE Select); 211 bases into the intron after coding-DNA position 675, G replaced by T.
Molecular consequence: intron variant. On other transcripts: missense variant (1), 5 prime UTR variant (1).
Genome position (GRCh38, 1-based): chr1:243,293,430, G>T. VCF-style: chr1-243293430-G-T. GRCh37 (hg19) VCF-style: chr1-243456732-G-T.
Other names: c.707G>T, p.Gly236Val (NM_001350248.2); c.-667G>T (NM_001350251.2); c.381+211G>T (NM_001350249.2); c.-438+211G>T (NM_001350246.2); c.-326+211G>T (NM_001350247.2); short protein forms G236V.
Identifiers: ClinVar variation 3344895 (VCV003344895.1).